The following is an entry in ClinVar:

ClinVar aggregate classification (germline): Likely pathogenic (1 of 4 stars; one submission).

Conditions:
Dilated cardiomyopathy 1G (CMD1G). Identifiers: Orphanet 154, MedGen C1858763, MONDO:0011400, OMIM 604145.
Autosomal recessive limb-girdle muscular dystrophy type 2J (LGMDR10). Also called: MUSCULAR DYSTROPHY, LIMB-GIRDLE, AUTOSOMAL RECESSIVE 10; Limb-girdle muscular dystrophy, type 2J. Identifiers: Orphanet 140922, MedGen C1837342, MONDO:0012127, OMIM 608807.

gnomAD v4.1: 1 of 1,613,658 alleles (0.000062%); highest among the groups gnomAD compares: Non-Finnish European, 0.000085%; no homozygotes.

Submission:

Labcorp Genetics (formerly Invitae), Labcorp
Classification: Likely pathogenic for Dilated cardiomyopathy 1G; Autosomal recessive limb-girdle muscular dystrophy type 2J. Last evaluated: 2023-01-23. Review status: criteria provided, single submitter. Criteria: Invitae Variant Classification Sherloc (09022015). Collection method: clinical testing. Allele origin: germline.
Comment: In summary, the currently available evidence indicates that the variant is pathogenic, but additional data are needed to prove that conclusively. Therefore, this variant has been classified as Likely Pathogenic. This variant is located in the A band of TTN (PMID: 25589632). Truncating variants in this region are significantly overrepresented in patients affected with dilated cardiomyopathy (PMID: 25589632). Truncating variants in this region have also been reported in individuals affected with autosomal recessive centronuclear myopathy (PMID: 23975875). This variant has not been reported in the literature in individuals affected with TTN-related conditions. This variant is not present in population databases (gnomAD no frequency). This sequence change creates a premature translational stop signal (p.Gly26642*) in the TTN gene. While this is not anticipated to result in nonsense mediated decay, it is expected to create a truncated TTN protein.

Literature cited by the submitters: PubMed 25589632; PubMed 23975875.

NM_001267550.2(TTN):c.79924G>T (p.Gly26642Ter)

Genes: TTN (titin; minus strand), TTN-AS1 (TTN antisense RNA 1; plus strand). Cytogenetic location: 2q31.2.
Variant type: single nucleotide variant.
Coding change: c.79924G>T on transcript NM_001267550.2 (MANE Select); coding-DNA position 79924, G replaced by T.
Protein change: p.Gly26642Ter; replaces glycine 26642 with a stop codon.
Molecular consequence: nonsense.
Genome position (GRCh38, 1-based): chr2:178,566,208, C>A on the plus strand (G>T on the coding strand, the complement: TTN is on the minus strand). VCF-style: chr2-178566208-C-A. GRCh37 (hg19) VCF-style: chr2-179430935-C-A.
Other names: c.75001G>T, p.Gly25001Ter (NM_001256850.1); c.52729G>T, p.Gly17577Ter (NM_003319.4); c.72220G>T, p.Gly24074Ter (NM_133378.4); c.53104G>T, p.Gly17702Ter (NM_133432.3); c.53305G>T, p.Gly17769Ter (NM_133437.4); short protein forms G17769*, G17577*, G25001*, G17702*, G24074*, G26642*.
Identifiers: ClinVar variation 2943541 (VCV002943541.3), dbSNP rs1559348938, ClinGen allele CA349592798.